The following is an entry in ClinVar:

NM_004656.4(BAP1):c.1512C>T (p.Asn504=)

Gene: BAP1 (BRCA1 associated deubiquitinase 1; minus strand). Cytogenetic location: 3p21.1.
Variant type: single nucleotide variant.
Coding change: c.1512C>T on transcript NM_004656.4 (MANE Select); coding-DNA position 1512, C replaced by T.
Protein change: p.Asn504=; no amino-acid change (asparagine 504 retained).
Molecular consequence: synonymous variant.
Genome position (GRCh38, 1-based): chr3:52,403,633, G>A on the plus strand (C>T on the coding strand, the complement: BAP1 is on the minus strand). VCF-style: chr3-52403633-G-A. GRCh37 (hg19) VCF-style: chr3-52437649-G-A.
Other names: c.1458C>T, p.Asn486= (NM_001410772.1).
Identifiers: ClinVar variation 4986790 (VCV004986790.1).
Genomic context (GRCh38, chr3:52,403,633, plus strand): 5'-GGTGACAGGGCTGGAGGGCCGCGTCGGGTTGGCTGAGCGGATAGGCGAGCGCAGTGGCGA[G>A]TTGAAAGCACTGCCGATCTCAGAGGCCGTGTCTGTACTCTCATTGCTGGGGGTGGGTGAG-3'
Protein context (NP_004647.1, residues 494-514): DTASEIGSAF[Asn504=]SPLRSPIRSA

ClinVar aggregate classification (germline): Likely benign (1 of 4 stars; one submission).

Conditions:
BAP1-related disorder. Also called: BAP1-related condition.

Submission:

PreventionGenetics, part of Exact Sciences
Classification: Likely benign for BAP1-related condition. Last evaluated: 2026-01-09. Review status: criteria provided, single submitter. Criteria: ACMG Guidelines, 2015. Collection method: clinical testing. Allele origin: germline.
Comment: This variant is classified as likely benign based on ACMG/AMP sequence variant interpretation guidelines (Richards et al. 2015 PMID: 25741868, with internal and published modifications).